The following is an entry in ClinVar:

ClinVar aggregate classification (germline): Conflicting classifications of pathogenicity. Review status: criteria provided, conflicting classifications (1 of 4 stars). 3 submissions from 3 submitters: Uncertain significance (1); Benign (1); Likely benign (1). Last evaluated 2025-10-01.

Conditions:
Inborn genetic diseases. Identifiers: MedGen C0950123, MeSH D030342.
Intellectual developmental disorder, X-linked 1. Also called: MENTAL RETARDATION, X-LINKED 18; MENTAL RETARDATION, X-LINKED 78; Atkin Flaitz Patil Smith syndrome; Intellectual disability, X-linked 1. Identifiers: Orphanet 777, MedGen C2931498, MONDO:0010656, OMIM 309530.

Allele frequency attached by ClinVar (database versions not stated): gnomAD 0.00005 and 0.00003; gnomAD exomes 0.00001; TOPMed 0.00002.

Submissions (3):

Athena Diagnostics
Classification: Uncertain significance. Last evaluated: 2025-10-01. Review status: criteria provided, single submitter. Criteria: Athena Diagnostics Criteria. Collection method: clinical testing. Allele origin: unknown.
Comment: Available data are insufficient to determine the clinical significance of the variant at this time. The frequency of this variant in the general population is uninformative in assessment of its pathogenicity. Polyphen and MutationTaster predict this amino acid change may be benign.

Labcorp Genetics (formerly Invitae), Labcorp
Classification: Benign for Intellectual developmental disorder, X-linked 1. Last evaluated: 2023-11-18. Review status: criteria provided, single submitter. Criteria: Invitae Variant Classification Sherloc (09022015). Collection method: clinical testing. Allele origin: germline.

Ambry Genetics
Classification: Likely benign for Inborn genetic diseases. Last evaluated: 2017-10-24. Review status: criteria provided, single submitter. Criteria: Ambry Variant Classification Scheme 2023. Collection method: clinical testing. Allele origin: germline.

NM_001111125.3(IQSEC2):c.569C>T (p.Ala190Val)

Gene: IQSEC2 (IQ motif and Sec7 domain ArfGEF 2; minus strand). Cytogenetic location: Xp11.22.
Variant type: single nucleotide variant.
Coding change: c.569C>T on transcript NM_001111125.3 (MANE Select); coding-DNA position 569, C replaced by T.
Protein change: p.Ala190Val; replaces alanine 190 with valine.
Molecular consequence: missense variant.
Genome position (GRCh38, 1-based): chrX:53,320,555, G>A on the plus strand (C>T on the coding strand, the complement: IQSEC2 is on the minus strand). VCF-style: chrX-53320555-G-A. GRCh37 (hg19) VCF-style: chrX-53349753-G-A.
Other names: short protein forms A190V.
Identifiers: ClinVar variation 589973 (VCV000589973.14), dbSNP rs1003745171, ClinGen allele CA413239054.